The following is an entry in ClinVar:

NM_000222.3(KIT):c.2620C>G (p.Pro874Ala)

Gene: KIT (KIT proto-oncogene, receptor tyrosine kinase; plus strand). Cytogenetic location: 4q12.
Variant type: single nucleotide variant.
Coding change: c.2620C>G on transcript NM_000222.3 (MANE Select); coding-DNA position 2620, C replaced by G.
Protein change: p.Pro874Ala; replaces proline 874 with alanine.
Molecular consequence: missense variant.
Genome position (GRCh38, 1-based): chr4:54,736,744, C>G. VCF-style: chr4-54736744-C-G. GRCh37 (hg19) VCF-style: chr4-55602910-C-G.
Other names: c.2608C>G, p.Pro870Ala (NM_001093772.2, NM_001385292.1); c.2623C>G, p.Pro875Ala (NM_001385284.1); c.2617C>G, p.Pro873Ala (NM_001385285.1); c.2605C>G, p.Pro869Ala (NM_001385286.1); c.2611C>G, p.Pro871Ala (NM_001385288.1); c.2620C>G, p.Pro874Ala (NM_001385290.1); short protein forms P869A, P870A, P871A, P873A, P874A, P875A.
Identifiers: ClinVar variation 4722131 (VCV004722131.1).

ClinVar aggregate classification (germline): Uncertain significance (1 of 4 stars; one submission).

Conditions:
Gastrointestinal stromal tumor. Also called: Gastrointestinal stromal tumor, somatic; Gastrointestinal stroma tumor. Identifiers: Orphanet 44890, MedGen C0238198, MeSH D046152, MONDO:0011719, OMIM 606764, HP:0100723.

Submission:

Labcorp Genetics (formerly Invitae), Labcorp
Classification: Uncertain significance for Gastrointestinal stromal tumor. Last evaluated: 2025-06-25. Review status: criteria provided, single submitter. Criteria: Invitae Variant Classification Sherloc (09022015). Collection method: clinical testing. Allele origin: germline.
Comment: This sequence change replaces proline, which is neutral and non-polar, with alanine, which is neutral and non-polar, at codon 874 of the KIT protein (p.Pro874Ala). This variant is not present in population databases (gnomAD no frequency). This variant has not been reported in the literature in individuals affected with KIT-related conditions. An algorithm developed to predict the effect of missense changes on protein structure and function (PolyPhen-2) suggests that this variant is likely to be disruptive. In summary, the available evidence is currently insufficient to determine the role of this variant in disease. Therefore, it has been classified as a Variant of Uncertain Significance.